The following is an entry in ClinVar:

ClinVar aggregate classification (germline): Uncertain significance (1 of 4 stars; one submission).

Allele frequency attached by ClinVar (database versions not stated): gnomAD exomes below 0.00001; TOPMed 0.00001.
gnomAD v4.1: 1 of 1,614,204 alleles (0.000062%); highest among the groups gnomAD compares: South Asian, 0.0011%; no homozygotes.

Submission:

Labcorp Genetics (formerly Invitae), Labcorp
Classification: Uncertain significance. Last evaluated: 2022-10-13. Review status: criteria provided, single submitter. Criteria: Invitae Variant Classification Sherloc (09022015). Collection method: clinical testing. Allele origin: germline.
Comment: In summary, the available evidence is currently insufficient to determine the role of this variant in disease. Therefore, it has been classified as a Variant of Uncertain Significance. Algorithms developed to predict the effect of missense changes on protein structure and function are either unavailable or do not agree on the potential impact of this missense change (SIFT: "Deleterious"; PolyPhen-2: "Possibly Damaging"; Align-GVGD: "Class C0"). ClinVar contains an entry for this variant (Variation ID: 1375018). This variant has not been reported in the literature in individuals affected with TUB-related conditions. This variant is not present in population databases (gnomAD no frequency). This sequence change replaces methionine, which is neutral and non-polar, with isoleucine, which is neutral and non-polar, at codon 523 of the TUB protein (p.Met523Ile).

NM_177972.3(TUB):c.1404G>A (p.Met468Ile)

Genes: RIC3 (RIC3 acetylcholine receptor chaperone; minus strand), TUB (TUB bipartite transcription factor; plus strand). Cytogenetic location: 11p15.4.
Variant type: single nucleotide variant.
Coding change: c.1404G>A on transcript NM_177972.3 (MANE Select); coding-DNA position 1404, G replaced by A.
Protein change: p.Met468Ile; replaces methionine 468 with isoleucine.
Molecular consequence: missense variant.
Genome position (GRCh38, 1-based): chr11:8,101,502, G>A. VCF-style: chr11-8101502-G-A. GRCh37 (hg19) VCF-style: chr11-8123049-G-A.
Other names: c.1569G>A, p.Met523Ile (NM_003320.5); short protein forms M468I, M523I.
Identifiers: ClinVar variation 1375018 (VCV001375018.6), dbSNP rs1207092091, ClinGen allele CA379572437.